The following is an entry in ClinVar:

ClinVar aggregate classification (germline): Pathogenic (1 of 4 stars; one submission).

Conditions:
Hereditary cancer-predisposing syndrome. Also called: Neoplastic Syndromes, Hereditary; Tumor predisposition; Hereditary Cancer Syndrome; Hereditary neoplastic syndrome. Identifiers: Orphanet 140162, MedGen C0027672, MeSH D009386, MONDO:0015356.

Submission:

Ambry Genetics
Classification: Pathogenic for Hereditary cancer-predisposing syndrome. Last evaluated: 2024-02-14. Review status: criteria provided, single submitter. Criteria: Ambry Variant Classification Scheme 2023. Collection method: clinical testing. Allele origin: germline.
Comment: The p.E136* pathogenic mutation (also known as c.406G>T), located in coding exon 6 of the BAP1 gene, results from a G to T substitution at nucleotide position 406. This changes the amino acid from a glutamic acid to a stop codon within coding exon 6. This variant is considered to be rare based on population cohorts in the Genome Aggregation Database (gnomAD). This alteration is expected to result in loss of function by premature protein truncation or nonsense-mediated mRNA decay. As such, this alteration is interpreted as a disease-causing mutation.

NM_004656.4(BAP1):c.406G>T (p.Glu136Ter)

Gene: BAP1 (BRCA1 associated deubiquitinase 1; minus strand). Cytogenetic location: 3p21.1.
Variant type: single nucleotide variant.
Coding change: c.406G>T on transcript NM_004656.4 (MANE Select); coding-DNA position 406, G replaced by T.
Protein change: p.Glu136Ter; replaces glutamic acid 136 with a stop codon.
Molecular consequence: nonsense.
Genome position (GRCh38, 1-based): chr3:52,407,430, C>A on the plus strand (G>T on the coding strand, the complement: BAP1 is on the minus strand). VCF-style: chr3-52407430-C-A. GRCh37 (hg19) VCF-style: chr3-52441446-C-A.
Other names: c.406G>T, p.Glu136Ter (NM_001410772.1); short protein forms E136*.
Identifiers: ClinVar variation 1737540 (VCV001737540.2), dbSNP rs2153227958, ClinGen allele CA353110982.